The following is an entry in ClinVar:

ClinVar aggregate classification (germline): Benign (1 of 4 stars; one submission).

Allele frequency attached by ClinVar (database versions not stated): gnomAD 0.61467 and 0.61925; TOPMed 0.63011; 1000 Genomes Project 30x 0.70472; 1000 Genomes Project 0.70667.
gnomAD v4.1: 93,736 of 151,544 alleles (62%); highest among the groups gnomAD compares: African/African-American, 74%; 29,556 homozygotes.

Submission:

GeneDx
Classification: Benign. Last evaluated: 2018-06-14. Review status: criteria provided, single submitter. Criteria: GeneDx Variant Classification (06012015). Collection method: clinical testing. Allele origin: germline. Affected: yes.
Comment: This variant is considered likely benign or benign based on one or more of the following criteria: it is a conservative change, it occurs at a poorly conserved position in the protein, it is predicted to be benign by multiple in silico algorithms, and/or has population frequency not consistent with disease.

NM_182961.4(SYNE1):c.26002-210C>G

Gene: SYNE1 (spectrin repeat containing nuclear envelope protein 1; minus strand). Cytogenetic location: 6q25.2.
Variant type: single nucleotide variant.
Coding change: c.26002-210C>G on transcript NM_182961.4 (MANE Select); 210 bases into the intron before coding-DNA position 26002, C replaced by G.
Molecular consequence: intron variant.
Genome position (GRCh38, 1-based): chr6:152,132,424, G>C on the plus strand (C>G on the coding strand, the complement: SYNE1 is on the minus strand). VCF-style: chr6-152132424-G-C. GRCh37 (hg19) VCF-style: chr6-152453559-G-C.
Other names: c.25858-210C>G (NM_033071.5); c.2608-210C>G (NM_001347701.2); c.2536-210C>G (NM_001347702.2).
Identifiers: ClinVar variation 670222 (VCV000670222.1), dbSNP rs2295194, ClinGen allele CA12213341.